The following is an entry in ClinVar:

ClinVar aggregate classification (germline): Conflicting classifications of pathogenicity. Review status: criteria provided, conflicting classifications (1 of 4 stars). 8 submissions from 8 submitters: Uncertain significance (1); Benign (6); Likely benign (1). Last evaluated 2025-12-28.

Conditions:
Inborn genetic diseases. Identifiers: MedGen C0950123, MeSH D030342.
Autosomal dominant nonsyndromic hearing loss 5. Identifiers: Orphanet 90635, MedGen C1832932, MONDO:0010973, OMIM 600994.

Allele frequency attached by ClinVar (database versions not stated): ExAC 0.00144; 1000 Genomes Project 30x 0.00156; 1000 Genomes Project 0.00160; gnomAD 0.00168 and 0.00179; ESP Exome Variant Server 0.00231; TOPMed 0.00245.
gnomAD v4.1: 854 of 1,614,092 alleles (0.053%); highest among the groups gnomAD compares: Admixed American, 0.6%; 4 homozygotes.

Submissions (8):

Labcorp Genetics (formerly Invitae), Labcorp
Classification: Benign. Last evaluated: 2025-12-28. Review status: criteria provided, single submitter. Criteria: Invitae Variant Classification Sherloc (09022015). Collection method: clinical testing. Allele origin: germline.

Ambry Genetics
Classification: Uncertain significance for Inborn genetic diseases. Last evaluated: 2025-02-21. Review status: criteria provided, single submitter. Criteria: Ambry Variant Classification Scheme 2023. Collection method: clinical testing. Allele origin: germline.

Blueprint Genetics
Classification: Likely benign. Last evaluated: 2024-11-26. Review status: criteria provided, single submitter. Criteria: ACMG Guidelines, 2015. Collection method: clinical testing. Allele origin: germline.

GeneDx
Classification: Benign. Last evaluated: 2019-03-26. Review status: criteria provided, single submitter. Criteria: GeneDx Variant Classification Process June 2021. Collection method: clinical testing. Allele origin: germline. Affected: yes.

Illumina Laboratory Services, Illumina
Classification: Benign for Autosomal dominant nonsyndromic hearing loss 5. Last evaluated: 2018-01-13. Review status: criteria provided, single submitter. Criteria: ICSL Variant Classification Criteria 13 December 2019. Collection method: clinical testing. Allele origin: germline.
Comment: This variant was observed in the ICSL laboratory as part of a predisposition screen in an ostensibly healthy population. It had not been previously curated by ICSL or reported in the Human Gene Mutation Database (HGMD: prior to June 1st, 2018), and was therefore a candidate for classification through an automated scoring system. Utilizing variant allele frequency, disease prevalence and penetrance estimates, and inheritance mode, an automated score was calculated to assess if this variant is too frequent to cause the disease. Based on the score and internal cut-off values, a variant classified as benign is not then subjected to further curation. The score for this variant resulted in a classification of benign for this disease.

Eurofins Ntd Llc (ga)
Classification: Benign. Last evaluated: 2017-05-15. Review status: criteria provided, single submitter. Criteria: EGL Classification Definitions 2015. Collection method: clinical testing. Allele origin: germline. Observed: 1 variant allele, 1 heterozygote.

Genomic Diagnostic Laboratory, Division of Genomic Diagnostics, Children's Hospital of Philadelphia
Classification: Benign. Last evaluated: 2015-05-05. Review status: criteria provided, single submitter. Criteria: DGD Variant Analysis Guidelines. Collection method: clinical testing. Allele origin: unknown.

Laboratory for Molecular Medicine, Mass General Brigham Personalized Medicine
Classification: Benign. Last evaluated: 2012-04-30. Review status: criteria provided, single submitter. Criteria: LMM Criteria. Collection method: clinical testing. Allele origin: germline. Observed: 4 variant alleles.
Comment: Gly220Ser in Exon 05 of DFNA5: This variant is not expected to have clinical sig nificance because it has been identified in 0.6% (23/3738) of African American c hromosomes from a broad population by the NHLBI Exome Sequencing Project (dbSNP rs140666247).

NM_001127453.2(GSDME):c.658G>A (p.Gly220Ser)

Gene: GSDME (gasdermin E; minus strand). Cytogenetic location: 7p15.3.
Variant type: single nucleotide variant.
Coding change: c.658G>A on transcript NM_001127453.2 (MANE Select); coding-DNA position 658, G replaced by A.
Protein change: p.Gly220Ser; replaces glycine 220 with serine.
Molecular consequence: missense variant.
Genome position (GRCh38, 1-based): chr7:24,717,293, C>T on the plus strand (G>A on the coding strand, the complement: GSDME is on the minus strand). VCF-style: chr7-24717293-C-T. GRCh37 (hg19) VCF-style: chr7-24756912-C-T.
Other names: c.166G>A, p.Gly56Ser (NM_001127454.2); c.658G>A, p.Gly220Ser (NM_004403.3); short protein forms G220S, G56S.
Identifiers: ClinVar variation 178333 (VCV000178333.26), dbSNP rs140666247, ClinGen allele CA248781.